The following is an entry in ClinVar:

NM_006767.4(LZTR1):c.1606C>A (p.Pro536Thr)

Gene: LZTR1 (leucine zipper like post translational regulator 1; plus strand). Cytogenetic location: 22q11.21.
Variant type: single nucleotide variant.
Coding change: c.1606C>A on transcript NM_006767.4 (MANE Select); coding-DNA position 1606, C replaced by A.
Protein change: p.Pro536Thr; replaces proline 536 with threonine.
Molecular consequence: missense variant.
Genome position (GRCh38, 1-based): chr22:20,994,260, C>A. VCF-style: chr22-20994260-C-A. GRCh37 (hg19) VCF-style: chr22-21348549-C-A.
Other names: short protein forms P536T.
Identifiers: ClinVar variation 3766207 (VCV003766207.1).

ClinVar aggregate classification (germline): Uncertain significance (1 of 4 stars; one submission).

Submission:

GeneDx
Classification: Uncertain significance. Last evaluated: 2024-08-27. Review status: criteria provided, single submitter. Criteria: GeneDx Variant Classification Process June 2021. Collection method: clinical testing. Allele origin: germline. Affected: yes.
Comment: Not observed at significant frequency in large population cohorts (gnomAD); In silico analysis indicates that this missense variant does not alter protein structure/function; Has not been previously published as pathogenic or benign to our knowledge